The following is an entry in ClinVar:

ClinVar aggregate classification (germline): Likely pathogenic (1 of 4 stars; one submission).

Conditions:
CHD4-related disorder. Also called: CHD4-related condition.

Submission:

PreventionGenetics, part of Exact Sciences
Classification: Likely pathogenic for CHD4-related condition. Last evaluated: 2023-05-18. Review status: criteria provided, single submitter. Criteria: ACMG Guidelines, 2015. Collection method: clinical testing. Allele origin: germline.
Comment: The CHD4 c.3202C>A variant is predicted to result in the amino acid substitution p.Arg1068Ser. To our knowledge, this variant has not been reported in the literature or in a large population database, indicating this variant is rare. A different nucleotide substitution affecting the same amino acid (p.Arg1068His) has been reported in individuals with developmental disorders and congenital heart defects (Table S11, Sifrim et al. 2016. PubMed ID: 27479907; Table S1, McRae et al. 2017. PubMed ID: 28135719; Table S1, Weiss et al. 2020. PubMed ID: 31388190). Taken together, the c.3202C>A (p.Arg1068Ser) variant is interpreted as likely pathogenic.

NM_001273.5(CHD4):c.3202C>A (p.Arg1068Ser)

Gene: CHD4 (chromodomain helicase DNA binding protein 4; minus strand). Cytogenetic location: 12p13.31.
Variant type: single nucleotide variant.
Coding change: c.3202C>A on transcript NM_001273.5 (MANE Select); coding-DNA position 3202, C replaced by A.
Protein change: p.Arg1068Ser; replaces arginine 1068 with serine.
Molecular consequence: missense variant.
Genome position (GRCh38, 1-based): chr12:6,591,714, G>T on the plus strand (C>A on the coding strand, the complement: CHD4 is on the minus strand). VCF-style: chr12-6591714-G-T. GRCh37 (hg19) VCF-style: chr12-6700880-G-T.
Other names: c.3181C>A, p.Arg1061Ser (NM_001297553.2); c.3163C>A, p.Arg1055Ser (NM_001363606.2); short protein forms R1055S, R1061S, R1068S.
Identifiers: ClinVar variation 2633887 (VCV002633887.1), dbSNP rs2540396222, ClinGen allele CA383585570.